The following is an entry in ClinVar:

NM_032806.6(POMGNT2):c.14C>T (p.Ala5Val)

Gene: POMGNT2 (protein O-linked mannose N-acetylglucosaminyltransferase 2 (beta 1,4-); minus strand). Cytogenetic location: 3p22.1.
Variant type: single nucleotide variant.
Coding change: c.14C>T on transcript NM_032806.6 (MANE Select); coding-DNA position 14, C replaced by T.
Protein change: p.Ala5Val; replaces alanine 5 with valine.
Molecular consequence: missense variant.
Genome position (GRCh38, 1-based): chr3:43,081,418, G>A on the plus strand (C>T on the coding strand, the complement: POMGNT2 is on the minus strand). VCF-style: chr3-43081418-G-A. GRCh37 (hg19) VCF-style: chr3-43122910-G-A.
Other names: short protein forms A5V.
Identifiers: ClinVar variation 935421 (VCV000935421.5), dbSNP rs554958082, ClinGen allele CA2340178.

ClinVar aggregate classification (germline): Uncertain significance (1 of 4 stars; one submission).

Conditions:
Muscular dystrophy-dystroglycanopathy (congenital with brain and eye anomalies), type a, 8 (MDDGA8). Also called: WALKER-WARBURG SYNDROME OR MUSCLE-EYE-BRAIN DISEASE, GTDC2-RELATED. Identifiers: Orphanet 899, MedGen C3553813, MONDO:0013904, OMIM 614830.

Allele frequency attached by ClinVar (database versions not stated): gnomAD 0.00003 and 0.00005; ExAC 0.00004; TOPMed 0.00006.

Submission:

Labcorp Genetics (formerly Invitae), Labcorp
Classification: Uncertain significance for Muscular dystrophy-dystroglycanopathy (congenital with brain and eye anomalies), type a, 8. Last evaluated: 2026-01-08. Review status: criteria provided, single submitter. Criteria: Invitae Variant Classification Sherloc (09022015). Collection method: clinical testing. Allele origin: germline.
Comment: This sequence change replaces alanine, which is neutral and non-polar, with valine, which is neutral and non-polar, at codon 5 of the POMGNT2 protein (p.Ala5Val). This variant is present in population databases (rs554958082, gnomAD 0.02%). This variant has not been reported in the literature in individuals affected with POMGNT2-related conditions. ClinVar contains an entry for this variant (Variation ID: 935421). Experimental studies and prediction algorithms are not available or were not evaluated, and the functional significance of this variant is currently unknown. In summary, the available evidence is currently insufficient to determine the role of this variant in disease. Therefore, it has been classified as a Variant of Uncertain Significance.